The following continues an entry in ClinVar:

NM_000535.7(PMS2):c.736_741delinsTGTGTGTGAAG (p.Pro246_Pro247delinsCysValTer)

Gene: PMS2. ClinVar aggregate classification (germline): Pathogenic. Pathogenic (1).

Submissions 9 to 20 of 29:

All of Us Research Program, National Institutes of Health
Classification: Pathogenic for Lynch syndrome. Last evaluated: 2024-08-29. Review status: criteria provided, single submitter. Criteria: ACMG Guidelines, 2015. Collection method: clinical testing. Allele origin: germline. Inheritance: Autosomal dominant inheritance. Observed: 1 variant allele, 1 heterozygote. Not counted in ClinVar's aggregate classification.
Comment: This variant is predicted to result in loss of protein function through nonsense-mediated decay or protein truncation. Loss of function is an established mechanism of disease. This variant has been reported in multiple individuals with PMS2-related cancer, and it has been reported as a founder variant in the Icelandic, Swedish, and British populations (PMID: 16619239, 18178629, 28466842). It has also been reported in individuals with a second PMS2 variant and constitutional mismatch repair deficiency (PMID: 21376568, 32773772). This variant is rare in large population databases, including the Genome Aggregation Database.

This study involves interpretation of variants in research participants for the purpose of population health screening. Participant phenotype was not available at the time of variant classification. Additional details can be found in publication PMID: 35346344, PMCID: PMC8962531

Mayo Clinic Laboratories, Mayo Clinic
Classification: Pathogenic. Last evaluated: 2023-12-13. Review status: criteria provided, single submitter. Criteria: ACMG Guidelines, 2015. Collection method: clinical testing. Allele origin: germline. Not counted in ClinVar's aggregate classification.
Comment: PP4, PP5, PM2_moderate, PM3_strong, PS4_moderate, PVS1

CeGaT Center for Human Genetics Tuebingen
Classification: Pathogenic. Last evaluated: 2023-12-01. Review status: criteria provided, single submitter. Criteria: CeGaT Center For Human Genetics Tuebingen Variant Classification Criteria Version 2. Collection method: clinical testing. Allele origin: germline. Affected: yes. Observed: 5 variant alleles. Not counted in ClinVar's aggregate classification.
Comment: PMS2: PVS1, PS4:Moderate

Clinical Genetics Laboratory, Skane University Hospital Lund
Classification: Pathogenic. Last evaluated: 2023-10-23. Review status: criteria provided, single submitter. Criteria: ACMG Guidelines, 2015. Collection method: clinical testing. Allele origin: germline. Affected: yes. Not counted in ClinVar's aggregate classification.

Laboratory for Molecular Medicine, Mass General Brigham Personalized Medicine
Classification: Pathogenic for Lynch syndrome. Last evaluated: 2023-10-23. Review status: criteria provided, single submitter. Criteria: ACMG Guidelines, 2015. Collection method: clinical testing. Allele origin: germline. Inheritance: Autosomal dominant inheritance. Not counted in ClinVar's aggregate classification.
Comment: The p.Pro246CysfsX3 variant in PMS2 has been reported in the heterozygous state in more than 15 individuals with Lynch Syndrome-associated cancers (Clendenning 2008 PMID: 18178629, Senter 2008 PMID: 18602922, Ward 2013 PMID: 23733757, Salvador 2019 PMID: 30702970, Djursby 2020 PMID: 33193653, Hartman 2020 PMID: 32782288, Wang 2020 PMID: 31992580, Watson 2021 PMID: 34116445, LMM Internal Data) and in the compound heterozygous state with another loss-of-function PMS2 variant in at least two individuals with constitutional mismatch repair deficiency syndrome (Susswein 2015 PMID: 26681312, Perez-Valencia 2020 PMID: 32773772). The variant segregated with disease in 2 affected individuals from 1 family (Watson 2021 PMID: 34116445). Data from large population studies is insufficient to assess the frequency of this variant. The p.Pro246CysfsX3 variant is predicted to cause a frameshift, which alters the protein’s amino acid sequence beginning at position 246 and leads to a premature termination codon 3 amino acids downstream. This alteration is then predicted to lead to a truncated or absent protein. Heterozygous loss of function of the PMS2 gene is an established disease mechanism in individuals with Lynch syndrome. In addition, this variant was classified as Pathogenic on Sep 5, 2013 by the ClinGen-approved InSiGHT Expert Panel (Variation ID 91366). In summary, this variant meets criteria to be classified as pathogenic for autosomal dominant Lynch syndrome based upon the predicted impact to the protein and presence in multiple affected individuals. ACMG/AMP criteria applied: PVS1, PS4_Strong, PM3.

St. Jude Molecular Pathology, St. Jude Children's Research Hospital
Classification: Pathogenic for Lynch syndrome 4. Last evaluated: 2023-10-16. Review status: criteria provided, single submitter. Criteria: St. Jude Assertion Criteria 2020. Collection method: clinical testing. Allele origin: germline. Affected: yes. Not counted in ClinVar's aggregate classification.
Comment: The PMS2 c.736_741delinsTGTGTGTGAAG (p.Pro246CysfsTer3) change deletes six nucleotides and inserts 11 nucleotides to cause a frameshift and the creation of a premature stop codon. This change is predicted to cause protein truncation or absence of protein due to nonsense-mediated decay. This variant has been reported in individuals with Lynch-syndrome associated cancers, some of which have demonstrated loss of PMS2 by IHC (PMID: 16619239, 24323032, 26681312, 30322717, 33193653). This variant has also been reported in individuals with constitutional mismatch repair deficiency (PMID: 21376568, internal data). This variant is absent in gnomAD v2.1.1. In summary, this variant meets criteria to be classified as pathogenic.

Myriad Genetics, Inc.
Classification: Pathogenic for Lynch syndrome 4. Last evaluated: 2023-09-19. Review status: criteria provided, single submitter. Criteria: Myriad Autosomal Dominant, Autosomal Recessive and X-Linked Classification Criteria (2023). Collection method: clinical testing. Allele origin: unknown. Not counted in ClinVar's aggregate classification.
Comment: This variant is considered pathogenic. This variant creates a frameshift predicted to result in premature protein truncation.

Quest Diagnostics Nichols Institute San Juan Capistrano
Classification: Pathogenic. Last evaluated: 2022-04-27. Review status: criteria provided, single submitter. Criteria: Quest Diagnostics criteria. Collection method: clinical testing. Allele origin: unknown. Not counted in ClinVar's aggregate classification.
Comment: The PMS2 c.736_741delinsTGTGTGTGAAG (p.Pro246Cysfs*3) variant alters the translational reading frame of the PMS2 mRNA and causes the premature termination of PMS2 protein synthesis. This variant has been reported in the published literature in several individuals and families affected with a Lynch syndrome associated cancer and/or polyps (PMIDs: 18602922 (2008), 27435373 (2016), 28466842 (2017), 30702970 (2019)), as well as in an individual affected with CMMRD (PMID: 21376568 (2011)). Based on the available information, this variant is classified as pathogenic.

CHEO Genetics Diagnostic Laboratory, Children's Hospital of Eastern Ontario
Classification: Pathogenic for Breast and/or ovarian cancer. Last evaluated: 2022-02-09. Review status: criteria provided, single submitter. Criteria: ACMG Guidelines, 2015. Collection method: clinical testing. Allele origin: germline. Not counted in ClinVar's aggregate classification.

Women's Health and Genetics/Laboratory Corporation of America, LabCorp
Classification: Pathogenic for Hereditary nonpolyposis colon cancer. Last evaluated: 2021-12-21. Review status: criteria provided, single submitter. Criteria: LabCorp Variant Classification Summary - May 2015. Collection method: clinical testing. Allele origin: germline. Not counted in ClinVar's aggregate classification.
Comment: Variant summary: PMS2 c.736_741delinsTGTGTGTGAAG (p.Pro246CysfsX3) results in a premature termination codon, predicted to cause a truncation of the encoded protein or absence of the protein due to nonsense mediated decay, which are commonly known mechanisms for disease. Truncations downstream of this position have been classified as pathogenic by our laboratory. The variant allele was found at a frequency of 1.8e-05 in 279974 control chromosomes. c.736_741delins11 has been reported in the literature in multiple individuals affected with Hereditary Nonpolyposis Colorectal Cancer (e.g. Clendenning_2008, vanderKlift_2016) or Endometrial cancer (Buchanan_2014). These data indicate that the variant is very likely to be associated with disease. Ten clinical diagnostic laboratories have submitted clinical-significance assessments for this variant to ClinVar after 2014 without evidence for independent evaluation. All laboratories classified the variant as pathogenic. Based on the evidence outlined above, the variant was classified as pathogenic.

GeneDx
Classification: Pathogenic. Last evaluated: 2020-12-11. Review status: criteria provided, single submitter. Criteria: GeneDx Variant Classification Process June 2021. Collection method: clinical testing. Allele origin: germline. Affected: yes. Not counted in ClinVar's aggregate classification.
Comment: Frameshift variant predicted to result in protein truncation or nonsense mediated decay in a gene for which loss-of-function is a known mechanism of disease; Observed in individuals with Lynch syndrome (LS) and LS-related cancers as well as in individuals with constitutional mismatch repair deficiency (CMMR-D) syndrome (Clendenning 2008, Senter 2008, Herkert 2011, Alexander 2016, Rosty 2016, Wang 2020); Truncating variants in this gene are considered pathogenic by a well-established clinical consortium and/or database; Also known as c.736_741del6ins11; Not observed in large population cohorts (Lek 2016); This variant is associated with the following publications: (PMID: 20205264, 22577899, 18602922, 30702970, 16619239, 24323032, 18178629, 21376568, 20487569, 20093870, 26552419, 25856668, 26895986, 27037742, 22081473, 26845104, 26681312, 27601186, 28418444, 29485237, 28466842, 23733757, 16817031, 21204794, 20682701, 29790872, 30322717, 31992580, 31447099, 33193653, 32719484, 32773772)

Labcorp Genetics (formerly Invitae), Labcorp
Classification: Pathogenic for Hereditary nonpolyposis colon cancer. Last evaluated: 2020-01-08. Review status: criteria provided, single submitter. Criteria: Invitae Variant Classification Sherloc (09022015). Collection method: clinical testing. Allele origin: germline. Not counted in ClinVar's aggregate classification.
Comment: This sequence change deletes 6 nucleotides and inserts 11 nucleotides in exon 7 of the PMS2 mRNA (c.736_741delinsTGTGTGTGAAG), causing a frameshift at codon 246. This creates a premature translational stop signal (p.Pro246Cysfs*3) and is expected to result in an absent or disrupted protein product. The frequency data for this variant in the population databases is considered unreliable, as metrics indicate poor data quality at this position in the ExAC database. This variant has been reported in individuals and families affected with Lynch syndrome-associated tumors (PMID: 16619239, 24323032, 18178629, 21376568). This variant has been reported as a common cause of Lynch syndrome in individuals with British and Swedish ancestry (PMID: 18178629). It is also known as c.736_741del6ins11 in the literature. ClinVar contains an entry for this variant (Variation ID: 91366). Loss-of-function variants in PMS2 are known to be pathogenic (PMID: 21376568, 24362816). For these reasons, this variant has been classified as Pathogenic.